The following is an entry in ClinVar:

ClinVar aggregate classification (germline): Uncertain significance. Review status: criteria provided, multiple submitters, no conflicts (2 of 4 stars). 2 submissions from 2 submitters: Uncertain significance (2). Last evaluated 2024-07-05.

Conditions:
Hereditary cancer-predisposing syndrome. Also called: Tumor predisposition; Neoplastic Syndromes, Hereditary; Hereditary Cancer Syndrome; Hereditary neoplastic syndrome. Identifiers: Orphanet 140162, MedGen C0027672, MeSH D009386, MONDO:0015356.
Bloom syndrome (BLM). Also called: Bloom-Torre-Machacek syndrome. Identifiers: Orphanet 125, MedGen C0005859, MONDO:0008876, OMIM 210900.

Allele frequency attached by ClinVar (database versions not stated): gnomAD exomes below 0.00001.
gnomAD v4.1: 6 of 1,606,094 alleles (0.00037%); highest among the groups gnomAD compares: South Asian, 0.0011%; no homozygotes.

Submissions (2):

Ambry Genetics
Classification: Uncertain significance for Hereditary cancer-predisposing syndrome. Last evaluated: 2024-07-05. Review status: criteria provided, single submitter. Criteria: Ambry Variant Classification Scheme 2023. Collection method: clinical testing. Allele origin: germline.
Comment: The p.C1030Y variant (also known as c.3089G>A), located in coding exon 15 of the BLM gene, results from a G to A substitution at nucleotide position 3089. The cysteine at codon 1030 is replaced by tyrosine, an amino acid with highly dissimilar properties. This amino acid position is conserved. In addition, this alteration is predicted to be deleterious by in silico analysis. Since supporting evidence is limited at this time, the clinical significance of this alteration remains unclear.

Labcorp Genetics (formerly Invitae), Labcorp
Classification: Uncertain significance for Bloom syndrome. Last evaluated: 2024-02-12. Review status: criteria provided, single submitter. Criteria: Invitae Variant Classification Sherloc (09022015). Collection method: clinical testing. Allele origin: germline.
Comment: This sequence change replaces cysteine, which is neutral and slightly polar, with tyrosine, which is neutral and polar, at codon 1030 of the BLM protein (p.Cys1030Tyr). This variant is present in population databases (no rsID available, gnomAD 0.003%). This variant has not been reported in the literature in individuals affected with BLM-related conditions. ClinVar contains an entry for this variant (Variation ID: 1727423). Advanced modeling of protein sequence and biophysical properties (such as structural, functional, and spatial information, amino acid conservation, physicochemical variation, residue mobility, and thermodynamic stability) performed at Invitae indicates that this missense variant is expected to disrupt BLM protein function with a positive predictive value of 80%. In summary, the available evidence is currently insufficient to determine the role of this variant in disease. Therefore, it has been classified as a Variant of Uncertain Significance.

NM_000057.4(BLM):c.3089G>A (p.Cys1030Tyr)

Gene: BLM (BLM RecQ like helicase; plus strand). Cytogenetic location: 15q26.1.
Variant type: single nucleotide variant.
Coding change: c.3089G>A on transcript NM_000057.4 (MANE Select); coding-DNA position 3089, G replaced by A.
Protein change: p.Cys1030Tyr; replaces cysteine 1030 with tyrosine.
Molecular consequence: missense variant.
Genome position (GRCh38, 1-based): chr15:90,794,236, G>A. VCF-style: chr15-90794236-G-A. GRCh37 (hg19) VCF-style: chr15-91337466-G-A.
Other names: c.3089G>A, p.Cys1030Tyr (NM_001287246.2, NM_001287247.2); c.1964G>A, p.Cys655Tyr (NM_001287248.2); short protein forms C1030Y, C655Y.
Identifiers: ClinVar variation 1727423 (VCV001727423.5), dbSNP rs1397630614, ClinGen allele CA393846807.